The following is an entry in ClinVar:

ClinVar aggregate classification (germline): Uncertain significance. Review status: criteria provided, multiple submitters, no conflicts (2 of 4 stars). 2 submissions from 2 submitters: Uncertain significance (2). Last evaluated 2023-08-15.

Conditions:
Retinoblastoma (RB1). Also called: RETINOBLASTOMA, SOMATIC. Identifiers: Orphanet 790, MedGen C0035335, MeSH D012175, MONDO:0008380, OMIM 180200, HP:0009919. Disease mechanism: loss of function. Inheritance: Both sporadic and heritable forms are tested..
Malignant tumor of urinary bladder. Also called: Urinary bladder cancer; Bladder cancer; Urinary Bladder Neoplasms. Identifiers: MedGen C0005684, MONDO:0001187, OMIM 109800.

Submissions (2):

All of Us Research Program, National Institutes of Health
Classification: Uncertain significance for Retinoblastoma. Last evaluated: 2023-08-15. Review status: criteria provided, single submitter. Criteria: ACMG Guidelines, 2015. Collection method: clinical testing. Allele origin: germline. Inheritance: Autosomal dominant inheritance. Observed: 1 variant allele, 1 heterozygote.
Comment: This study involves interpretation of variants in research participants for the purpose of population health screening. Participant phenotype was not available at the time of variant classification. Additional details can be found in publication PMID: 35346344, PMCID: PMC8962531

Baylor Genetics
Classification: Uncertain significance for Malignant tumor of urinary bladder. Last evaluated: 2023-08-13. Review status: criteria provided, single submitter. Criteria: ACMG Guidelines, 2015. Collection method: clinical testing. Allele origin: unknown.

NM_000321.3(RB1):c.1945C>G (p.Leu649Val)

Gene: RB1 (RB transcriptional corepressor 1; plus strand). Cytogenetic location: 13q14.2.
Variant type: single nucleotide variant.
Coding change: c.1945C>G on transcript NM_000321.3 (MANE Select); coding-DNA position 1945, C replaced by G.
Protein change: p.Leu649Val; replaces leucine 649 with valine.
Molecular consequence: missense variant.
Genome position (GRCh38, 1-based): chr13:48,456,334, C>G. VCF-style: chr13-48456334-C-G. GRCh37 (hg19) VCF-style: chr13-49030470-C-G.
Other names: c.1945C>G, p.Leu649Val (NM_001407165.1); short protein forms L649V.
Identifiers: ClinVar variation 2678285 (VCV002678285.2), dbSNP rs2138331612, ClinGen allele CA388166244.